The following is an entry in ClinVar:

NM_018060.4(IARS2):c.2840G>A (p.Arg947Gln)

Gene: IARS2 (isoleucyl-tRNA synthetase 2, mitochondrial; plus strand). Cytogenetic location: 1q41.
Variant type: single nucleotide variant.
Coding change: c.2840G>A on transcript NM_018060.4 (MANE Select); coding-DNA position 2840, G replaced by A.
Protein change: p.Arg947Gln; replaces arginine 947 with glutamine.
Molecular consequence: missense variant.
Genome position (GRCh38, 1-based): chr1:220,145,597, G>A. VCF-style: chr1-220145597-G-A. GRCh37 (hg19) VCF-style: chr1-220318939-G-A.
Other names: short protein forms R947Q.
Identifiers: ClinVar variation 2175055 (VCV002175055.1), dbSNP rs142486733, ClinGen allele CA1401864.

ClinVar aggregate classification (germline): Uncertain significance (1 of 4 stars; one submission).

Allele frequency attached by ClinVar (database versions not stated): TOPMed 0.00009; ExAC 0.00010; gnomAD 0.00015; ESP Exome Variant Server 0.00023.
gnomAD v4.1: 123 of 1,613,694 alleles (0.0076%); highest among the groups gnomAD compares: South Asian, 0.044%; 2 homozygotes.

Submission:

Labcorp Genetics (formerly Invitae), Labcorp
Classification: Uncertain significance. Last evaluated: 2022-08-07. Review status: criteria provided, single submitter. Criteria: Invitae Variant Classification Sherloc (09022015). Collection method: clinical testing. Allele origin: germline.
Comment: This sequence change replaces arginine, which is basic and polar, with glutamine, which is neutral and polar, at codon 947 of the IARS2 protein (p.Arg947Gln). This variant is present in population databases (rs142486733, gnomAD 0.04%). This variant has not been reported in the literature in individuals affected with IARS2-related conditions. Algorithms developed to predict the effect of missense changes on protein structure and function (SIFT, PolyPhen-2, Align-GVGD) all suggest that this variant is likely to be tolerated. In summary, the available evidence is currently insufficient to determine the role of this variant in disease. Therefore, it has been classified as a Variant of Uncertain Significance.